The following is an entry in ClinVar:

NM_000435.3(NOTCH3):c.1303T>A (p.Cys435Ser)

Gene: NOTCH3 (notch receptor 3; minus strand). Cytogenetic location: 19p13.12.
Variant type: single nucleotide variant.
Coding change: c.1303T>A on transcript NM_000435.3 (MANE Select); coding-DNA position 1303, T replaced by A.
Protein change: p.Cys435Ser; replaces cysteine 435 with serine.
Molecular consequence: missense variant.
Genome position (GRCh38, 1-based): chr19:15,189,064, A>T on the plus strand (T>A on the coding strand, the complement: NOTCH3 is on the minus strand). VCF-style: chr19-15189064-A-T. GRCh37 (hg19) VCF-style: chr19-15299875-A-T.
Other names: short protein forms C435S.
Identifiers: ClinVar variation 4682144 (VCV004682144.1).

ClinVar aggregate classification (germline): Likely pathogenic (1 of 4 stars; one submission).

Submission:

Athena Diagnostics
Classification: Likely pathogenic. Last evaluated: 2025-05-02. Review status: criteria provided, single submitter. Criteria: Athena Diagnostics Criteria. Collection method: clinical testing. Allele origin: unknown.
Comment: This variant alters a critical location within the protein, and is expected to severely affect function and cause disease. This variant has not been reported in large, multi-ethnic general populations. Greater than 90% of NOTCH3 pathogenic variants associated with CADASIL involve the gain or loss of a cysteine residue within the epidermal growth factor (EGF)-like repeat domain (PMID: 32457593, 20301673).